The following is an entry in ClinVar:

NM_000166.6(GJB1):c.713G>T (p.Arg238Leu)

Gene: GJB1 (gap junction protein beta 1; plus strand). Cytogenetic location: Xq13.1.
Variant type: single nucleotide variant.
Coding change: c.713G>T on transcript NM_000166.6 (MANE Select); coding-DNA position 713, G replaced by T.
Protein change: p.Arg238Leu; replaces arginine 238 with leucine.
Molecular consequence: missense variant.
Genome position (GRCh38, 1-based): chrX:71,224,420, G>T. VCF-style: chrX-71224420-G-T. GRCh37 (hg19) VCF-style: chrX-70444270-G-T.
Other names: c.713G>T, p.Arg238Leu (NM_001097642.3); short protein forms R238L.
Identifiers: ClinVar variation 804721 (VCV000804721.4), dbSNP rs776206757, ClinGen allele CA413503663.

ClinVar aggregate classification (germline): Uncertain significance. Review status: criteria provided, multiple submitters, no conflicts (2 of 4 stars). 2 submissions from 2 submitters: Uncertain significance (2). Last evaluated 2022-11-01.

Conditions:
Charcot-Marie-Tooth Neuropathy X. Identifiers: MedGen CN118851.

Submissions (2):

Labcorp Genetics (formerly Invitae), Labcorp
Classification: Uncertain significance for Charcot-Marie-Tooth Neuropathy X. Last evaluated: 2022-11-01. Review status: criteria provided, single submitter. Criteria: Invitae Variant Classification Sherloc (09022015). Collection method: clinical testing. Allele origin: germline.
Comment: This sequence change replaces arginine, which is basic and polar, with leucine, which is neutral and non-polar, at codon 238 of the GJB1 protein (p.Arg238Leu). This variant is not present in population databases (gnomAD no frequency). This variant has not been reported in the literature in individuals affected with GJB1-related conditions. ClinVar contains an entry for this variant (Variation ID: 804721). Algorithms developed to predict the effect of missense changes on protein structure and function are either unavailable or do not agree on the potential impact of this missense change (SIFT: "Deleterious"; PolyPhen-2: "Benign"; Align-GVGD: "Class C0"). In summary, the available evidence is currently insufficient to determine the role of this variant in disease. Therefore, it has been classified as a Variant of Uncertain Significance.

Athena Diagnostics
Classification: Uncertain significance. Last evaluated: 2018-12-11. Review status: criteria provided, single submitter. Criteria: Athena Diagnostics Criteria. Collection method: clinical testing. Allele origin: germline.